The following is an entry in ClinVar:

NM_000494.4(COL17A1):c.4000_4001del (p.Arg1334fs)

Gene: COL17A1 (collagen type XVII alpha 1 chain; minus strand). Cytogenetic location: 10q25.1.
Variant type: Deletion.
Coding change: c.4000_4001del on transcript NM_000494.4 (MANE Select); coding-DNA positions 4000 to 4001, 2 bases deleted (AG; older notation c.4000_4001delAG).
Protein change: p.Arg1334fs; shifts the reading frame from arginine 1334.
Molecular consequence: frameshift variant.
Genome position (GRCh38, 1-based): chr10:104,034,100-104,034,101, CT deleted on the plus strand (AG on the coding strand, the reverse complement: COL17A1 is on the minus strand). VCF-style (leftmost placement, unchanged base first): chr10-104034099-CCT-C. GRCh37 (hg19) VCF-style: chr10-105793857-CCT-C.
Other names: short protein forms R1334fs.
Identifiers: ClinVar variation 3005241 (VCV003005241.3), dbSNP rs1279680398, ClinGen allele CA659193854.
Genomic context (GRCh38, chr10:104,034,099, plus strand): 5'-GCCGCCTTCTGCTGCTGCCCCATAGCCTCCGCCTGGGCCGATGTCAGTGCCATAGGGACC[CCT>C]GTCTCCTGCAGCTTCACCAAAGGCACCGCCTGCACCCAGGGAGCCTGCACCACCTCCTCC-3'

ClinVar aggregate classification (germline): Pathogenic (1 of 4 stars; one submission).

Allele frequency attached by ClinVar (database versions not stated): gnomAD exomes below 0.00001; TOPMed 0.00002; gnomAD 0.00003.

Submission:

Labcorp Genetics (formerly Invitae), Labcorp
Classification: Pathogenic. Last evaluated: 2023-06-23. Review status: criteria provided, single submitter. Criteria: Invitae Variant Classification Sherloc (09022015). Collection method: clinical testing. Allele origin: germline.
Comment: This sequence change creates a premature translational stop signal (p.Arg1334Glyfs*6) in the COL17A1 gene. It is expected to result in an absent or disrupted protein product. Loss-of-function variants in COL17A1 are known to be pathogenic (PMID: 16473856, 17344927, 20301304, 21357940, 24319098). This variant is not present in population databases (gnomAD no frequency). This variant has not been reported in the literature in individuals affected with COL17A1-related conditions. For these reasons, this variant has been classified as Pathogenic.

Literature cited by the submitters: PubMed 16473856; PubMed 17344927; PubMed 20301304; PubMed 21357940; PubMed 24319098.